The following is an entry in ClinVar:

ClinVar aggregate classification (germline): Uncertain significance (1 of 4 stars; one submission).

Conditions:
Inborn genetic diseases. Identifiers: MedGen C0950123, MeSH D030342.

Submission:

Ambry Genetics
Classification: Uncertain significance for Inborn genetic diseases. Last evaluated: 2024-11-03. Review status: criteria provided, single submitter. Criteria: Ambry Variant Classification Scheme 2023. Collection method: clinical testing. Allele origin: germline.
Comment: The p.R43Q variant (also known as c.128G>A), located in coding exon 2 of the ATR gene, results from a G to A substitution at nucleotide position 128. The arginine at codon 43 is replaced by glutamine, an amino acid with highly similar properties. This amino acid position is conserved. In addition, this alteration is predicted to be tolerated by in silico analysis. Based on the available evidence, the clinical significance of this variant remains unclear.

NM_001184.4(ATR):c.128G>A (p.Arg43Gln)

Gene: ATR (ATR serine/threonine kinase; minus strand). Cytogenetic location: 3q23.
Variant type: single nucleotide variant.
Coding change: c.128G>A on transcript NM_001184.4 (MANE Select); coding-DNA position 128, G replaced by A.
Protein change: p.Arg43Gln; replaces arginine 43 with glutamine.
Molecular consequence: missense variant.
Genome position (GRCh38, 1-based): chr3:142,568,086, C>T on the plus strand (G>A on the coding strand, the complement: ATR is on the minus strand). VCF-style: chr3-142568086-C-T. GRCh37 (hg19) VCF-style: chr3-142286928-C-T.
Other names: c.128G>A, p.Arg43Gln (NM_001354579.2); short protein forms R43Q.
Identifiers: ClinVar variation 3461532 (VCV003461532.1).